The following is an entry in ClinVar:

NM_000038.6(APC):c.6554del (p.Ser2185fs)

Gene: APC (APC regulator of Wnt signaling pathway; plus strand). Cytogenetic location: 5q22.2.
Variant type: Deletion.
Coding change: c.6554del on transcript NM_000038.6 (MANE Select); coding-DNA position 6554, one base deleted (G; older notation c.6554delG).
Protein change: p.Ser2185fs; shifts the reading frame from serine 2185.
Molecular consequence: frameshift variant.
Genome position (GRCh38, 1-based): chr5:112,842,148, G deleted. VCF-style (leftmost placement, unchanged base first): chr5-112842147-AG-A. GRCh37 (hg19) VCF-style: chr5-112177844-AG-A.
Other names: c.6554del, p.Ser2185fs (NM_001127510.3, NM_001354895.2); c.6500del, p.Ser2167fs (NM_001127511.3); c.6608del, p.Ser2203fs (NM_001354896.2); c.6584del, p.Ser2195fs (NM_001354897.2); c.6479del, p.Ser2160fs (NM_001354898.2); c.6470del, p.Ser2157fs (NM_001354899.2); c.6431del, p.Ser2144fs (NM_001354900.2); c.6377del, p.Ser2126fs (NM_001354901.2); and 16 more; short protein forms S2094fs, S2126fs, S1902fs, S2059fs, S2157fs, S2167fs, S2025fs, S2084fs.
Identifiers: ClinVar variation 2027935 (VCV002027935.4), dbSNP rs2533723414, ClinGen allele CA2580072352.

ClinVar aggregate classification (germline): Pathogenic (1 of 4 stars; one submission).

Conditions:
Familial adenomatous polyposis 1 (FAP1). Also called: FAMILIAL ADENOMATOUS POLYPOSIS 1, ATTENUATED; POLYPOSIS, ADENOMATOUS INTESTINAL. Identifiers: MedGen C2713442, MONDO:0021056, OMIM 175100. Disease mechanism: loss of function.

Submission:

Labcorp Genetics (formerly Invitae), Labcorp
Classification: Pathogenic for Familial adenomatous polyposis 1. Last evaluated: 2022-12-30. Review status: criteria provided, single submitter. Criteria: Invitae Variant Classification Sherloc (09022015). Collection method: clinical testing. Allele origin: germline.
Comment: This sequence change creates a premature translational stop signal (p.Ser2185Ilefs*14) in the APC gene. While this is not anticipated to result in nonsense mediated decay, it is expected to disrupt the last 659 amino acid(s) of the APC protein. This variant is not present in population databases (gnomAD no frequency). This variant has not been reported in the literature in individuals affected with APC-related conditions. This variant is expected to disrupt the EB1 and HDLG binding sites, which mediate interactions with the cytoskeleton (PMID: 15311282, 17293347). While functional studies have not been performed to directly test the effect on APC protein function, this suggests that disruption of the C-terminal portion of the protein is functionally important. A different truncation (p.Tyr2645Lysfs*14) that lies downstream of this variant has been determined to be pathogenic (PMID: 9824584, 1316610, 27081525, 8381579, 22135120, Invitae). This suggests that deletion of this region of the APC protein is causative of disease. For these reasons, this variant has been classified as Pathogenic.

Literature cited by the submitters: PubMed 15311282; PubMed 17293347; PubMed 9824584; PubMed 1316610; PubMed 27081525; PubMed 8381579; PubMed 22135120.